The following is an entry in ClinVar:

ClinVar aggregate classification (germline): Conflicting classifications of pathogenicity. Review status: criteria provided, conflicting classifications (1 of 4 stars). 2 submissions from 2 submitters: Likely pathogenic (1); Uncertain significance (1). Last evaluated 2019-12-05.

Conditions:
Retinal dystrophy. Also called: Inherited retinal dystrophy. Identifiers: Orphanet 71862, MedGen C0854723, MeSH D058499, MONDO:0019118, HP:0000556.
Age related macular degeneration 2. Also called: MACULAR DEGENERATION, SENILE; MACULOPATHY, AGE-RELATED, 2; MACULOPATHY, AGE-RELATED. Identifiers: MedGen C3495438, MONDO:0007932, OMIM 153800.

Allele frequency attached by ClinVar (database versions not stated): gnomAD exomes 0.00001; ExAC 0.00002.

Submissions (2):

Centre for Mendelian Genomics, University Medical Centre Ljubljana
Classification: Uncertain significance for Age related macular degeneration 2. Last evaluated: 2019-12-05. Review status: criteria provided, single submitter. Criteria: ACMG Guidelines, 2015. Collection method: clinical testing. Allele origin: unknown. Affected: yes.
Comment: This variant was classified as: Uncertain significance. The available evidence favors the pathogenic nature of this variant, however the currently available data is insufficient to conclusively support its pathogenic nature. Thus this variant is classified as Uncertain significance - favor pathogenic. The following ACMG criteria were applied in classifying this variant: PM2,PM3,PP3.

Institute of Human Genetics, Univ. Regensburg, Univ. Regensburg
Classification: Likely pathogenic for Retinal dystrophy. Last evaluated: 2019-01-01. Review status: criteria provided, single submitter. Criteria: ACMG Guidelines, 2015. Collection method: clinical testing. Allele origin: germline. Affected: yes.

Literature cited by the submitters: PubMed 25082885 (cited by Institute of Human Genetics, Univ. Regensburg, Univ. Regensburg); PubMed 29555955 (cited by Institute of Human Genetics, Univ. Regensburg, Univ. Regensburg); PubMed 33261146 (cited by Institute of Human Genetics, Univ. Regensburg, Univ. Regensburg); PubMed 33301772 (cited by Institute of Human Genetics, Univ. Regensburg, Univ. Regensburg).

NM_000350.3(ABCA4):c.5645T>C (p.Met1882Thr)

Gene: ABCA4 (ATP binding cassette subfamily A member 4; minus strand). Cytogenetic location: 1p22.1.
Variant type: single nucleotide variant.
Coding change: c.5645T>C on transcript NM_000350.3 (MANE Select); coding-DNA position 5645, T replaced by C.
Protein change: p.Met1882Thr; replaces methionine 1882 with threonine.
Molecular consequence: missense variant.
Genome position (GRCh38, 1-based): chr1:94,010,869, A>G on the plus strand (T>C on the coding strand, the complement: ABCA4 is on the minus strand). VCF-style: chr1-94010869-A-G. GRCh37 (hg19) VCF-style: chr1-94476425-A-G.
Other names: c.5423T>C, p.Met1808Thr (NM_001425324.1); short protein forms M1882T, M1808T.
Identifiers: ClinVar variation 931805 (VCV000931805.4), dbSNP rs780817685, ClinGen allele CA957185.